The following is an entry in ClinVar:

ClinVar aggregate classification (germline): Uncertain significance. Review status: criteria provided, multiple submitters, no conflicts (2 of 4 stars). 2 submissions from 2 submitters: Uncertain significance (2). Last evaluated 2025-10-20.

Conditions:
Progressive sclerosing poliodystrophy (MTDPS4A). Also called: ALPERS PROGRESSIVE INFANTILE POLIODYSTROPHY; NEURONAL DEGENERATION OF CHILDHOOD WITH LIVER DISEASE, PROGRESSIVE; Alpers Syndrome; ALPERS DIFFUSE DEGENERATION OF CEREBRAL GRAY MATTER WITH HEPATIC CIRRHOSIS; Alpers-Huttenlocher Syndrome; Mitochondrial DNA Depletion Syndrome 4A. Identifiers: Orphanet 726, MedGen C0205710, MONDO:0008758, OMIM 203700.
POLG-related disorder. Also called: POLG-related condition; POLG-Related Disorders; POLG-Related Spectrum Disorders. Identifiers: MedGen C4763519.

Submissions (2):

Myriad Genetics, Inc.
Classification: Uncertain significance for POLG-related disorder. Last evaluated: 2025-10-20. Review status: criteria provided, single submitter. Criteria: Myriad Autosomal Dominant, Autosomal Recessive and X-Linked Classification Criteria (2023). Collection method: clinical testing. Allele origin: unknown.
Comment: NM_002693.2(POLG):c.164_175del12(Q55_Q58del) is an in-frame deletion classified as a variant of uncertain significance in the context of POLG-related disorders. Q55_Q58del has not been observed in cases with relevant disease. Relevant functional assessments of this variant are not available in the literature. Q55_Q58del has not been observed in referenced population frequency databases. In summary, there is insufficient evidence to classify NM_002693.2(POLG):c.164_175del12(Q55_Q58del) as pathogenic or benign. Please note: this variant was assessed in the context of healthy population screening.

Labcorp Genetics (formerly Invitae), Labcorp
Classification: Uncertain significance for Progressive sclerosing poliodystrophy. Last evaluated: 2025-03-17. Review status: criteria provided, single submitter. Criteria: Invitae Variant Classification Sherloc (09022015). Collection method: clinical testing. Allele origin: germline.
Comment: This variant, c.164_175del, results in the deletion of 4 amino acid(s) of the POLG protein (p.Gln55_Gln58del), but otherwise preserves the integrity of the reading frame. This variant is not present in population databases (gnomAD no frequency). This variant has not been reported in the literature in individuals affected with POLG-related conditions. Experimental studies and prediction algorithms are not available or were not evaluated, and the functional significance of this variant is currently unknown. In summary, the available evidence is currently insufficient to determine the role of this variant in disease. Therefore, it has been classified as a Variant of Uncertain Significance.

NM_002693.3(POLG):c.164_175del (p.Gln55_Gln58del)

Genes: POLG (DNA polymerase gamma, catalytic subunit; minus strand), POLGARF (POLG alternative reading frame; minus strand). Cytogenetic location: 15q26.1.
Variant type: Deletion.
Coding change: c.164_175del on transcript NM_002693.3 (MANE Select); coding-DNA positions 164 to 175, 12 bases deleted (AGCCTCAGCAGC).
Protein change: p.Gln55_Gln58del.
Molecular consequence: inframe deletion.
Genome position (GRCh38, 1-based): chr15:89,333,580-89,333,591, GCTGCTGAGGCT deleted on the plus strand (AGCCTCAGCAGC on the coding strand, the reverse complement: POLG is on the minus strand); deleting any 12 consecutive bases within chr15:89,333,580-89,333,595 gives the same sequence; the c. name uses the placement nearest the transcript's 3' end. VCF-style (leftmost placement, unchanged base first): chr15-89333579-GGCTGCTGAGGCT-G. GRCh37 (hg19) VCF-style: chr15-89876810-GGCTGCTGAGGCT-G.
Other names: c.219_230del, p.73AASA[1] (NM_001430120.1); c.164_175del, p.Gln55_Gln58del (NM_001126131.2).
Identifiers: ClinVar variation 4700190 (VCV004700190.2).